The following is an entry in ClinVar:

NM_001756.4(SERPINA6):c.1165G>A (p.Asp389Asn)

Gene: SERPINA6 (serpin family A member 6; minus strand). Cytogenetic location: 14q32.13.
Variant type: single nucleotide variant.
Coding change: c.1165G>A on transcript NM_001756.4 (MANE Select); coding-DNA position 1165, G replaced by A.
Protein change: p.Asp389Asn; replaces aspartic acid 389 with asparagine.
Molecular consequence: missense variant.
Genome position (GRCh38, 1-based): chr14:94,304,471, C>T on the plus strand (G>A on the coding strand, the complement: SERPINA6 is on the minus strand). VCF-style: chr14-94304471-C-T. GRCh37 (hg19) VCF-style: chr14-94770808-C-T.
Other names: D367N; short protein forms D389N.
Identifiers: ClinVar variation 16975 (VCV000016975.17), dbSNP rs28929488, ClinGen allele CA127009.

ClinVar aggregate classification (germline): Conflicting classifications of pathogenicity. Review status: criteria provided, conflicting classifications (1 of 4 stars). 12 submissions from 12 submitters: Likely pathogenic (7); Uncertain significance (3). 2 of the submissions do not count toward it. Last evaluated 2026-09-01.

Conditions:
SERPINA6-related disorder. Also called: SERPINA6-related condition.
Corticosteroid-binding globulin deficiency. Also called: CBG DEFICIENCY; TRANSCORTIN DEFICIENCY. Identifiers: Orphanet 199247, MedGen C1852529, MONDO:0012675, OMIM 611489.

Allele frequency attached by ClinVar (database versions not stated): gnomAD 0.00049 and 0.00016; ExAC 0.00051; gnomAD exomes 0.00062; TOPMed 0.00045.
gnomAD v4.1: 578 of 1,614,010 alleles (0.036%); highest among the groups gnomAD compares: Middle Eastern, 0.26%; no homozygotes.

Submissions (12):

CeGaT Center for Human Genetics Tuebingen
Classification: Likely pathogenic. Last evaluated: 2026-09-01. Review status: criteria provided, single submitter. Criteria: CeGaT Center For Human Genetics Tuebingen Variant Classification Criteria Version 2. Collection method: clinical testing. Allele origin: germline. Affected: yes. Observed: 1 variant allele.
Comment: SERPINA6: PM3:Strong, PM2, PS3:Supporting

PreventionGenetics, part of Exact Sciences
Classification: Likely pathogenic for SERPINA6-related condition. Last evaluated: 2025-10-29. Review status: criteria provided, single submitter. Criteria: ACMG Guidelines, 2015. Collection method: clinical testing. Allele origin: germline.
Comment: The SERPINA6 c.1165G>A variant is predicted to result in the amino acid substitution p.Asp389Asn. This variant, also referred to as CBG Lyon or p.Asp367Asn, has been reported in the heterozygous and homozygous state in individuals with corticosteroid-binding globulin (CBG) deficiency (see for example: Emptoz-Bonneton et al. 2000. PubMed ID: 10634411; Brunner et al. 2003. PubMed ID: 12780753; Cizza et al. 2011. PubMed ID: 21795453). Functional studies found this variant resulted in reduced affinity for cortisol and results in low or low-normal serum cortisol levels in homozygous and heterozygous subjects (Emptoz-Bonneton et al. 2000. PubMed ID: 10634411; Brunner et al. 2003. PubMed ID: 12780753; Cizza et al. 2011. PubMed ID: 21795453). This variant is reported in 0.77% of alleles in individuals of Ashkenazi Jewish descent in gnomAD. In ClinVar this variant has conflicting interpretations of pathogenicity of uncertain, likely pathogenic, and pathogenic (Variation ID: 16975). This variant is interpreted as likely pathogenic.

Labcorp Genetics (formerly Invitae), Labcorp
Classification: Likely pathogenic. Last evaluated: 2025-09-30. Review status: criteria provided, single submitter. Criteria: Invitae Variant Classification Sherloc (09022015). Collection method: clinical testing. Allele origin: germline.
Comment: This sequence change replaces aspartic acid, which is acidic and polar, with asparagine, which is neutral and polar, at codon 389 of the SERPINA6 protein (p.Asp389Asn). This variant is present in population databases (rs28929488, gnomAD 0.8%), and has an allele count higher than expected for a pathogenic variant. This missense change has been observed in individual(s) with SERPINA6-related conditions (PMID: 10634411, 11502797, 12780753, 17245537, 21795453, 36703223). In at least one individual the data is consistent with being in trans (on the opposite chromosome) from a pathogenic variant. It has also been observed to segregate with disease in related individuals. This variant is also known as CBG Lyon. ClinVar contains an entry for this variant (Variation ID: 16975). An algorithm developed to predict the effect of missense changes on protein structure and function (PolyPhen-2) suggests that this variant is likely to be disruptive. Experimental studies have shown that this missense change affects SERPINA6 function (PMID: 10634411, 20226861). In summary, the currently available evidence indicates that the variant is pathogenic, but additional data are needed to prove that conclusively. Therefore, this variant has been classified as Likely Pathogenic.

Revvity Omics, Revvity
Classification: Likely pathogenic for Corticosteroid-binding globulin deficiency. Last evaluated: 2025-07-03. Review status: criteria provided, single submitter. Criteria: ACMG Guidelines, 2015. Collection method: clinical testing. Allele origin: germline.

GeneDx
Classification: Uncertain significance. Last evaluated: 2025-04-30. Review status: criteria provided, single submitter. Criteria: GeneDx Variant Classification Process June 2021. Collection method: clinical testing. Allele origin: germline. Affected: yes.
Comment: Also known as CBG Lyon or p.Asp367Asn; In silico analysis supports that this missense variant has a deleterious effect on protein structure/function; This variant is associated with the following publications: (PMID: 31589614, 36703223, 20226861, 21795453, 10634411, 12780753, 17245537)

First Genomix Gene Laboratory, Genetic Diagnostics Department
Classification: Likely pathogenic for Corticosteroid-binding globulin deficiency. Last evaluated: 2025-01-16. Review status: criteria provided, single submitter. Criteria: ACMG Guidelines, 2015. Collection method: clinical testing. Allele origin: germline. Inheritance: Autosomal recessive inheritance. Affected: no. Observed: 1 variant allele.

Blueprint Genetics
Classification: Likely pathogenic for SERPINA6-related disorders. Last evaluated: 2024-09-21. Review status: criteria provided, single submitter. Criteria: ACMG Guidelines, 2015. Collection method: clinical testing. Allele origin: germline. Affected: yes. Observed: 5 variant alleles.

Department of Pathology and Laboratory Medicine, Sinai Health System
Classification: Likely pathogenic for Corticosteroid-binding globulin deficiency. Last evaluated: 2023-04-26. Review status: criteria provided, single submitter. Criteria: ACMG Guidelines, 2015. Collection method: research. Allele origin: germline.

Dubai Health Genomic Medicine Center, Dubai Health
Classification: Uncertain significance for Corticosteroid-binding globulin deficiency. Last evaluated: 2020-01-30. Review status: criteria provided, single submitter. Criteria: ACMG Guidelines, 2015. Collection method: clinical testing. Allele origin: germline. Affected: yes.

Baylor Genetics
Classification: Uncertain significance for Corticosteroid-binding globulin deficiency. Last evaluated: 2019-03-12. Review status: criteria provided, single submitter. Criteria: ACMG Guidelines, 2015. Collection method: clinical testing. Allele origin: maternal. Affected: yes.
Comment: This variant was determined to be of uncertain significance according to ACMG Guidelines, 2015 [PMID:25741868].

Reproductive Health Research and Development, BGI Genomics
Classification: Likely pathogenic for Corticosteroid-binding globulin deficiency. Last evaluated: 2020-01-06. Review status: no assertion criteria provided. Collection method: curation. Allele origin: germline. Not counted in ClinVar's aggregate classification.
Comment: NM_001756.3:c.1165G>A in the SERPINA6 gene has an allele frequency of 0.007 in Ashkenazi Jewish subpopulation in the gnomAD database. It was detected in individual with autosomal recessive Corticosteroid-binding globulin deficiency, two homozygous c.1165G>A(PMID: 12780753; 20610591). Co-segregation evidence in a pedigree, two patients were affected and one sibling unaffected (PMID: 20610591). Pathogenic computational verdict because 9 pathogenic predictions from DANN, DEOGEN2, EIGEN, FATHMM-MKL, M-CAP, MVP, MutationAssessor, MutationTaster and REVEL. Taken together, we interprete this variant as Pathogenic/Likely pathogenic. ACMG/AMP criteria applied: PP1_Moderate; PM3; PP4; PP3.

OMIM
Classification: Pathogenic for CORTICOSTEROID-BINDING GLOBULIN DEFICIENCY. Last evaluated: 2007-01-01. Review status: no assertion criteria provided. Collection method: literature only. Allele origin: germline. Not counted in ClinVar's aggregate classification.

Literature cited by the submitters: PubMed 10634411 (cited by Labcorp Genetics (formerly Invitae), Labcorp and OMIM); PubMed 11502797 (cited by Labcorp Genetics (formerly Invitae), Labcorp); PubMed 12780753 (cited by Labcorp Genetics (formerly Invitae), Labcorp and OMIM); PubMed 17245537 (cited by Labcorp Genetics (formerly Invitae), Labcorp and OMIM); PubMed 21795453 (cited by Labcorp Genetics (formerly Invitae), Labcorp); PubMed 36703223 (cited by Labcorp Genetics (formerly Invitae), Labcorp); PubMed 20226861 (cited by Labcorp Genetics (formerly Invitae), Labcorp).